The following is an entry in ClinVar:

NM_170784.3(MKKS):c.227T>C (p.Ile76Thr)

Gene: MKKS (MKKS centrosomal shuttling protein; minus strand). Cytogenetic location: 20p12.2.
Variant type: single nucleotide variant.
Coding change: c.227T>C on transcript NM_170784.3 (MANE Select); coding-DNA position 227, T replaced by C.
Protein change: p.Ile76Thr; replaces isoleucine 76 with threonine.
Molecular consequence: missense variant.
Genome position (GRCh38, 1-based): chr20:10,413,288, A>G on the plus strand (T>C on the coding strand, the complement: MKKS is on the minus strand). VCF-style: chr20-10413288-A-G. GRCh37 (hg19) VCF-style: chr20-10393936-A-G.
Other names: c.227T>C, p.Ile76Thr (NM_018848.3); short protein forms I76T.
Identifiers: ClinVar variation 4995221 (VCV004995221.1).

ClinVar aggregate classification (germline): Uncertain significance (1 of 4 stars; one submission).

Conditions:
MKKS-related disorder. Also called: MKKS-related condition; MKKS-related disorders.

Submission:

PreventionGenetics, part of Exact Sciences
Classification: Uncertain significance for MKKS-related condition. Last evaluated: 2026-02-17. Review status: criteria provided, single submitter. Criteria: ACMG Guidelines, 2015. Collection method: clinical testing. Allele origin: germline.
Comment: The MKKS c.227T>C variant is predicted to result in the amino acid substitution p.Ile76Thr. This variant was reported in an individual with myelomeningocele (Supplementary Table 3, Au et al. 2021. PubMed ID: 33574475). This variant has not been reported in a large population database (gnomAD), indicating this variant is rare. At this time, the clinical significance of this variant is uncertain due to the absence of conclusive functional and genetic evidence.